The following is an entry in ClinVar:

ClinVar aggregate classification (germline): Likely pathogenic (1 of 4 stars; one submission).

Submission:

Mayo Clinic Laboratories, Mayo Clinic
Classification: Likely pathogenic. Last evaluated: 2025-07-15. Review status: criteria provided, single submitter. Criteria: ACMG Guidelines, 2015. Collection method: clinical testing. Allele origin: germline. Observed: 1 variant allele.
Comment: PP3_strong, PM2_supporting, PM5

NM_000371.4(TTR):c.283A>G (p.Thr95Ala)

Gene: TTR (transthyretin; plus strand). Cytogenetic location: 18q12.1.
Variant type: single nucleotide variant.
Coding change: c.283A>G on transcript NM_000371.4 (MANE Select); coding-DNA position 283, A replaced by G.
Protein change: p.Thr95Ala; replaces threonine 95 with alanine.
Molecular consequence: missense variant.
Genome position (GRCh38, 1-based): chr18:31,595,202, A>G. VCF-style: chr18-31595202-A-G. GRCh37 (hg19) VCF-style: chr18-29175165-A-G.
Other names: p.Thr95Ala; short protein forms T95A.
Identifiers: ClinVar variation 4542259 (VCV004542259.1).